The following is an entry in ClinVar:

NM_001110354.2(ZP3):c.837C>T (p.Tyr279=)

Gene: ZP3 (zona pellucida glycoprotein 3; plus strand). Cytogenetic location: 7q11.23.
Variant type: single nucleotide variant.
Coding change: c.837C>T on transcript NM_001110354.2 (MANE Select); coding-DNA position 837, C replaced by T.
Protein change: p.Tyr279=; no amino-acid change (tyrosine 279 retained).
Molecular consequence: synonymous variant.
Genome position (GRCh38, 1-based): chr7:76,440,255, C>T. VCF-style: chr7-76440255-C-T. GRCh37 (hg19) VCF-style: chr7-76069572-C-T.
Other names: c.684C>T, p.Tyr228= (NM_007155.6).
Identifiers: ClinVar variation 3905116 (VCV003905116.10).

ClinVar aggregate classification (germline): Likely benign (1 of 4 stars; one submission).

gnomAD v4.1: 145 of 1,609,086 alleles (0.009%); highest among the groups gnomAD compares: Middle Eastern, 0.05%; no homozygotes.

Submission:

CeGaT Center for Human Genetics Tuebingen
Classification: Likely benign. Last evaluated: 2025-05-01. Review status: criteria provided, single submitter. Criteria: CeGaT Center For Human Genetics Tuebingen Variant Classification Criteria Version 2. Collection method: clinical testing. Allele origin: germline. Affected: yes. Observed: 1 variant allele.
Comment: ZP3: BP4, BP7